The following is an entry in ClinVar:

ClinVar aggregate classification (germline): Uncertain significance (1 of 4 stars; one submission).

Allele frequency attached by ClinVar (database versions not stated): gnomAD exomes below 0.00001.
gnomAD v4.1: 1 of 1,531,734 alleles (0.000065%); highest among the groups gnomAD compares: Non-Finnish European, 0.00009%; no homozygotes.

Submission:

CeGaT Center for Human Genetics Tuebingen
Classification: Uncertain significance. Last evaluated: 2022-03-01. Review status: criteria provided, single submitter. Criteria: CeGaT Center For Human Genetics Tuebingen Variant Classification Criteria Version 2. Collection method: clinical testing. Allele origin: germline. Affected: yes. Observed: 1 variant allele.
Comment: PHIP: PM2, BP4

NM_017934.7(PHIP):c.3657-5T>C

Genes: IRAK1BP1 (interleukin 1 receptor associated kinase 1 binding protein 1; plus strand), PHIP (PHIP subunit of CUL4-Ring ligase complex; minus strand). Cytogenetic location: 6q14.1.
Variant type: single nucleotide variant.
Coding change: c.3657-5T>C on transcript NM_017934.7 (MANE Select); 5 bases into the intron before coding-DNA position 3657, T replaced by C.
Molecular consequence: intron variant.
Genome position (GRCh38, 1-based): chr6:78,958,605, A>G on the plus strand (T>C on the coding strand, the complement: PHIP is on the minus strand). VCF-style: chr6-78958605-A-G. GRCh37 (hg19) VCF-style: chr6-79668322-A-G.
Identifiers: ClinVar variation 2656717 (VCV002656717.24), dbSNP rs2481849204, ClinGen allele CA2679473619.